The following is an entry in ClinVar:

NM_006922.4(SCN3A):c.3470C>A (p.Thr1157Asn)

Gene: SCN3A (sodium voltage-gated channel alpha subunit 3; minus strand). Cytogenetic location: 2q24.3.
Variant type: single nucleotide variant.
Coding change: c.3470C>A on transcript NM_006922.4 (MANE Select); coding-DNA position 3470, C replaced by A.
Protein change: p.Thr1157Asn; replaces threonine 1157 with asparagine.
Molecular consequence: missense variant.
Genome position (GRCh38, 1-based): chr2:165,115,499, G>T on the plus strand (C>A on the coding strand, the complement: SCN3A is on the minus strand). VCF-style: chr2-165115499-G-T. GRCh37 (hg19) VCF-style: chr2-165972009-G-T.
Other names: c.3323C>A, p.Thr1108Asn (NM_001081676.2, NM_001081677.2); short protein forms T1108N, T1157N.
Identifiers: ClinVar variation 644517 (VCV000644517.8), dbSNP rs1574134813, ClinGen allele CA349035717.

ClinVar aggregate classification (germline): Uncertain significance (1 of 4 stars; one submission).

gnomAD v4.1: 5 of 1,613,656 alleles (0.00031%); highest among the groups gnomAD compares: Non-Finnish European, 0.00042%; no homozygotes.

Submission:

Labcorp Genetics (formerly Invitae), Labcorp
Classification: Uncertain significance. Last evaluated: 2025-11-24. Review status: criteria provided, single submitter. Criteria: Invitae Variant Classification Sherloc (09022015). Collection method: clinical testing. Allele origin: germline.
Comment: This sequence change replaces threonine, which is neutral and polar, with asparagine, which is neutral and polar, at codon 1157 of the SCN3A protein (p.Thr1157Asn). This variant is not present in population databases (gnomAD no frequency). This variant has not been reported in the literature in individuals affected with SCN3A-related conditions. ClinVar contains an entry for this variant (Variation ID: 644517). Invitae Evidence Modeling of protein sequence and biophysical properties (such as structural, functional, and spatial information, amino acid conservation, physicochemical variation, residue mobility, and thermodynamic stability) indicates that this missense variant is not expected to disrupt SCN3A protein function with a negative predictive value of 95%. In summary, the available evidence is currently insufficient to determine the role of this variant in disease. Therefore, it has been classified as a Variant of Uncertain Significance.